The following is an entry in ClinVar:

ClinVar aggregate classification (germline): Uncertain significance (1 of 4 stars; one submission).

Conditions:
Cerebral amyloid angiopathy, APP-related. Also called: Cerebral amyloid angiopathy, Dutch, Italian, Iowa, Flemish, Arctic variants; AMYLOIDOSIS, CEREBROARTERIAL, APP-RELATED. Identifiers: Orphanet 100006, Orphanet 324703, Orphanet 324708, Orphanet 324713, Orphanet 324718, Orphanet 324723, Orphanet 85458, MedGen C2751536, MONDO:0011583, OMIM 605714.

Allele frequency attached by ClinVar (database versions not stated): TOPMed 0.00033; gnomAD exomes 0.00042; gnomAD 0.00051 and 0.00046.
gnomAD v4.1: 220 of 527,470 alleles (0.042%); highest among the groups gnomAD compares: Non-Finnish European, 0.066%; no homozygotes.

Submission:

Centre for Mendelian Genomics, University Medical Centre Ljubljana
Classification: Uncertain significance for Cerebral amyloid angiopathy, APP-related. Last evaluated: 2016-01-01. Review status: criteria provided, single submitter. Criteria: ACMG Guidelines, 2015. Collection method: clinical testing. Allele origin: unknown. Affected: yes.
Comment: This variant was classified as: Uncertain significance.

NM_000484.3(APP):c.-199G>A

Gene: APP (amyloid beta precursor protein; minus strand). Cytogenetic location: 21q21.3.
Variant type: single nucleotide variant.
Coding change: c.-199G>A on transcript NM_000484.3; 199 bases upstream of the start codon, G replaced by A.
Molecular consequence: intron variant (on NM_001136131.3).
Genome position (GRCh38, 1-based): chr21:26,170,819, C>T on the plus strand (G>A on the coding strand, the complement: APP is on the minus strand). VCF-style: chr21-26170819-C-T. GRCh37 (hg19) VCF-style: chr21-27543137-C-T.
Other names: c.-49+166G>A (NM_001136131.3).
Identifiers: ClinVar variation 339658 (VCV000339658.10), dbSNP rs761755102, ClinGen allele CA10650342.
Genomic context (GRCh38, chr21:26,170,819, plus strand): 5'-GAGGAAACTGACGGAGCCCGAGCGCGGCGGCGGGGCTCAGAGCCAGGCGAGTCAGCTGAT[C>T]CGGCCCACCCCGCTCGGCACCCGAGAGAGACCCCTAGCGGCGCCGCCGGGGAACTGCGCC-3'